The following is an entry in ClinVar:

NM_003119.4(SPG7):c.25C>T (p.Arg9Cys)

Genes: SPG7 (SPG7 matrix AAA peptidase subunit, paraplegin; plus strand), LOC130059818 (ATAC-STARR-seq lymphoblastoid silent region 7911; plus strand). Cytogenetic location: 16q24.3.
Variant type: single nucleotide variant.
Coding change: c.25C>T on transcript NM_003119.4 (MANE Select); coding-DNA position 25, C replaced by T.
Protein change: p.Arg9Cys; replaces arginine 9 with cysteine.
Molecular consequence: missense variant.
Genome position (GRCh38, 1-based): chr16:89,508,442, C>T. VCF-style: chr16-89508442-C-T. GRCh37 (hg19) VCF-style: chr16-89574850-C-T.
Other names: c.25C>T, p.Arg9Cys (NM_001363850.1, NM_199367.3); c.25C>T (NM_003119.2); short protein forms R9C.
Identifiers: ClinVar variation 862744 (VCV000862744.43), dbSNP rs1368314619, ClinGen allele CA397415849.

ClinVar aggregate classification (germline): Uncertain significance. Review status: criteria provided, multiple submitters, no conflicts (2 of 4 stars). 4 submissions from 4 submitters: Uncertain significance (4). Last evaluated 2024-08-23.

Conditions:
Inborn genetic diseases. Identifiers: MedGen C0950123, MeSH D030342.
Hereditary spastic paraplegia 7 (SPG7). Also called: Spastic paraplegia 7; Hereditary spastic paraplegia Paraplegin type; Autosomal recessive spastic paraplegia type 7; SPASTIC PARAPLEGIA 7, AUTOSOMAL RECESSIVE, WITH OR WITHOUT CEREBELLAR ATAXIA; SPG7-related neurologic disorder. Identifiers: Orphanet 99013, MedGen C1846564, MONDO:0011803, OMIM 607259.

Allele frequency attached by ClinVar (database versions not stated): TOPMed 0.00001; gnomAD exomes 0.00002.
gnomAD v4.1: 38 of 1,501,936 alleles (0.0025%); highest among the groups gnomAD compares: Non-Finnish European, 0.0031%; no homozygotes.

Submissions (4):

Blueprint Genetics
Classification: Uncertain significance. Last evaluated: 2024-08-23. Review status: criteria provided, single submitter. Criteria: ACMG Guidelines, 2015. Collection method: clinical testing. Allele origin: germline.

Ambry Genetics
Classification: Uncertain significance for Inborn genetic diseases. Last evaluated: 2022-11-07. Review status: criteria provided, single submitter. Criteria: Ambry Variant Classification Scheme 2023. Collection method: clinical testing. Allele origin: germline.

CeGaT Center for Human Genetics Tuebingen
Classification: Uncertain significance. Last evaluated: 2022-10-01. Review status: criteria provided, single submitter. Criteria: CeGaT Center For Human Genetics Tuebingen Variant Classification Criteria Version 2. Collection method: clinical testing. Allele origin: germline. Affected: yes. Observed: 1 variant allele.

Labcorp Genetics (formerly Invitae), Labcorp
Classification: Uncertain significance for Hereditary spastic paraplegia 7. Last evaluated: 2022-02-27. Review status: criteria provided, single submitter. Criteria: Invitae Variant Classification Sherloc (09022015). Collection method: clinical testing. Allele origin: germline.
Comment: In summary, the available evidence is currently insufficient to determine the role of this variant in disease. Therefore, it has been classified as a Variant of Uncertain Significance. This sequence change replaces arginine, which is basic and polar, with cysteine, which is neutral and slightly polar, at codon 9 of the SPG7 protein (p.Arg9Cys). This variant is present in population databases (no rsID available, gnomAD 0.006%). This variant has not been reported in the literature in individuals affected with SPG7-related conditions. ClinVar contains an entry for this variant (Variation ID: 862744). Advanced modeling of protein sequence and biophysical properties (such as structural, functional, and spatial information, amino acid conservation, physicochemical variation, residue mobility, and thermodynamic stability) performed at Invitae indicates that this missense variant is not expected to disrupt SPG7 protein function.